The following is an entry in ClinVar:

ClinVar aggregate classification (germline): Pathogenic (1 of 4 stars; one submission).

Submission:

Labcorp Genetics (formerly Invitae), Labcorp
Classification: Pathogenic. Last evaluated: 2024-12-18. Review status: criteria provided, single submitter. Criteria: Invitae Variant Classification Sherloc (09022015). Collection method: clinical testing. Allele origin: germline.
Comment: This sequence change creates a premature translational stop signal (p.Val615Leufs*34) in the ABCA4 gene. It is expected to result in an absent or disrupted protein product. Loss-of-function variants in ABCA4 are known to be pathogenic (PMID: 10958761, 24938718, 25312043, 26780318). This variant is not present in population databases (gnomAD no frequency). This variant has not been reported in the literature in individuals affected with ABCA4-related conditions. For these reasons, this variant has been classified as Pathogenic.

Literature cited by the submitters: PubMed 10958761; PubMed 24938718; PubMed 25312043; PubMed 26780318.

NM_000350.3(ABCA4):c.1843del (p.Val615fs)

Gene: ABCA4 (ATP binding cassette subfamily A member 4; minus strand). Cytogenetic location: 1p22.1.
Variant type: Deletion.
Coding change: c.1843del on transcript NM_000350.3 (MANE Select); coding-DNA position 1843, one base deleted (G; older notation c.1843delG).
Protein change: p.Val615fs; shifts the reading frame from valine 615.
Molecular consequence: frameshift variant.
Genome position (GRCh38, 1-based): chr1:94,062,671, C deleted on the plus strand (G on the coding strand, the reverse complement: ABCA4 is on the minus strand); the first of 2 consecutive C bases (chr1:94,062,671-94,062,672); deleting either gives the same sequence. VCF-style (leftmost placement, unchanged base first): chr1-94062670-AC-A. GRCh37 (hg19) VCF-style: chr1-94528226-AC-A.
Other names: c.1843del, p.Val615fs (NM_001425324.1); short protein forms V615fs.
Identifiers: ClinVar variation 3727076 (VCV003727076.2).
Genomic context (GRCh38, chr1:94,062,670, plus strand): 5'-TGGAGGTAGATTCCAACTGGAGCCTCCGCCTGCACCTGGCTCCTTGTGATCCCCTGTTCA[AC>A]CATGTCCTGCAGATAGGCAAACCCGCCCCAGATGTACCGGAAATCTTCCACGGGATCAGC-3'